The following is an entry in ClinVar:

ClinVar aggregate classification (germline): Uncertain significance. Review status: criteria provided, multiple submitters, no conflicts (2 of 4 stars). 5 submissions from 5 submitters: Uncertain significance (3). 2 of the submissions do not count toward it. Last evaluated 2022-09-06.

Conditions:
PKHD1-related disorder. Also called: PKHD1-related condition.
Autosomal recessive polycystic kidney disease (ARPKD). Also called: AR polycystic kidney disease. Identifiers: Orphanet 731, Orphanet 8378, MedGen C0085548, MeSH D017044, MONDO:0009889.

Allele frequency attached by ClinVar (database versions not stated): gnomAD 0.00009; TOPMed 0.00009; ExAC 0.00012; 1000 Genomes Project 30x 0.00031; 1000 Genomes Project 0.00040.
gnomAD v4.1: 55 of 1,552,892 alleles (0.0035%); highest among the groups gnomAD compares: Admixed American, 0.057%; no homozygotes.

Submissions (5):

Labcorp Genetics (formerly Invitae), Labcorp
Classification: Uncertain significance for Autosomal recessive polycystic kidney disease. Last evaluated: 2022-09-06. Review status: criteria provided, single submitter. Criteria: Invitae Variant Classification Sherloc (09022015). Collection method: clinical testing. Allele origin: germline.
Comment: This sequence change falls in intron 4 of the PKHD1 gene. It does not directly change the encoded amino acid sequence of the PKHD1 protein. It affects a nucleotide within the consensus splice site. This variant is present in population databases (rs535210707, gnomAD 0.05%). This variant has not been reported in the literature in individuals affected with PKHD1-related conditions. ClinVar contains an entry for this variant (Variation ID: 595783). Variants that disrupt the consensus splice site are a relatively common cause of aberrant splicing (PMID: 17576681, 9536098). Algorithms developed to predict the effect of sequence changes on RNA splicing suggest that this variant is not likely to affect RNA splicing. In summary, the available evidence is currently insufficient to determine the role of this variant in disease. Therefore, it has been classified as a Variant of Uncertain Significance.

Eurofins Ntd Llc (ga)
Classification: Uncertain significance. Last evaluated: 2018-01-19. Review status: criteria provided, single submitter. Criteria: EGL Classification Definitions 2015. Collection method: clinical testing. Allele origin: germline. Observed: 1 variant allele, 1 heterozygote.

Illumina Laboratory Services, Illumina
Classification: Uncertain significance for Polycystic kidney disease 4. Last evaluated: 2017-06-27. Review status: criteria provided, single submitter. Criteria: ICSL Variant Classification Criteria 13 December 2019. Collection method: clinical testing. Allele origin: germline.
Comment: This variant was observed as part of a predisposition screen in an ostensibly healthy population. A literature search was performed for the gene, cDNA change, and amino acid change (where applicable). Publications were found based on this search. However, the evidence from the literature, in combination with allele frequency data from public databases where available, was not sufficient to rule this variant in or out of causing disease. Therefore, this variant is classified as a variant of unknown significance.

PreventionGenetics, part of Exact Sciences
Classification: Likely benign for PKHD1-related condition. Last evaluated: 2022-03-21. Review status: no assertion criteria provided. Collection method: clinical testing. Allele origin: germline. Not counted in ClinVar's aggregate classification.
Comment: This variant is classified as likely benign based on ACMG/AMP sequence variant interpretation guidelines (Richards et al. 2015 PMID: 25741868, with internal and published modifications).

Natera, Inc.
Classification: Uncertain significance for Autosomal recessive polycystic kidney disease. Last evaluated: 2018-06-12. Review status: no assertion criteria provided. Collection method: clinical testing. Allele origin: germline. Not counted in ClinVar's aggregate classification.

Literature cited by the submitters: PubMed 17576681 (cited by Labcorp Genetics (formerly Invitae), Labcorp); PubMed 9536098 (cited by Labcorp Genetics (formerly Invitae), Labcorp); PubMed 16133180 (cited by Illumina Laboratory Services, Illumina).

NM_138694.4(PKHD1):c.282-3C>T

Gene: PKHD1 (PKHD1 ciliary IPT domain containing fibrocystin/polyductin; minus strand). Cytogenetic location: 6p12.2.
Variant type: single nucleotide variant.
Coding change: c.282-3C>T on transcript NM_138694.4 (MANE Select); 3 bases into the intron before coding-DNA position 282, C replaced by T.
Molecular consequence: intron variant.
Genome position (GRCh38, 1-based): chr6:52,080,011, G>A on the plus strand (C>T on the coding strand, the complement: PKHD1 is on the minus strand). VCF-style: chr6-52080011-G-A. GRCh37 (hg19) VCF-style: chr6-51944809-G-A.
Other names: c.282-3C>T (NM_170724.3).
Identifiers: ClinVar variation 595783 (VCV000595783.17), dbSNP rs535210707, ClinGen allele CA3853972.